The following is an entry in ClinVar:

ClinVar aggregate classification (germline): Uncertain significance. Review status: criteria provided, multiple submitters, no conflicts (2 of 4 stars). 2 submissions from 2 submitters: Uncertain significance (2). Last evaluated 2026-07-01.

Conditions:
Glycogen storage disease, type II (IOPD). Also called: CARDIOMEGALIA GLYCOGENICA DIFFUSA; GLYCOGENOSIS, GENERALIZED, CARDIAC FORM; GSD II; POMPE DISEASE, INFANTILE-ONSET; GLYCOGEN STORAGE DISEASE II, INFANTILE-ONSET; ACID ALPHA-GLUCOSIDASE DEFICIENCY, INFANTILE-ONSET. Identifiers: Orphanet 365, MedGen C0017921, MONDO:0009290, OMIM 232300.

Submissions (2):

Genomenon, Inc
Classification: Uncertain significance for Glycogen storage disease, type II. Last evaluated: 2026-07-01. Review status: criteria provided, single submitter. Criteria: Genomenon Sequence Variant Interpretation Standards - Updated. Collection method: curation. Allele origin: germline. Affected: no.
Comment: GAA p.Ala300Glu (c.899C>A) is a missense variant that changes the amino acid at codon 300 from Alanine to Glutamic acid. This variant has been reported in the published literature (PMID:33297573). It is absent or not present at a significant frequency in gnomAD. In silico models predict that this variant is not damaging. In conclusion, we classify GAA p.Ala300Glu (c.899C>A) as a variant of uncertain significance.

Labcorp Genetics (formerly Invitae), Labcorp
Classification: Uncertain significance for Glycogen storage disease, type II. Last evaluated: 2022-11-08. Review status: criteria provided, single submitter. Criteria: Invitae Variant Classification Sherloc (09022015). Collection method: clinical testing. Allele origin: germline.
Comment: In summary, the available evidence is currently insufficient to determine the role of this variant in disease. Therefore, it has been classified as a Variant of Uncertain Significance. Advanced modeling of protein sequence and biophysical properties (such as structural, functional, and spatial information, amino acid conservation, physicochemical variation, residue mobility, and thermodynamic stability) performed at Invitae indicates that this missense variant is not expected to disrupt GAA protein function. ClinVar contains an entry for this variant (Variation ID: 1402249). This variant has not been reported in the literature in individuals affected with GAA-related conditions. This variant is not present in population databases (gnomAD no frequency). This sequence change replaces alanine, which is neutral and non-polar, with glutamic acid, which is acidic and polar, at codon 300 of the GAA protein (p.Ala300Glu).

Literature cited by the submitters: PubMed 33297573 (cited by Genomenon, Inc).

NM_000152.5(GAA):c.899C>A (p.Ala300Glu)

Gene: GAA (alpha glucosidase; plus strand). Cytogenetic location: 17q25.3.
Variant type: single nucleotide variant.
Coding change: c.899C>A on transcript NM_000152.5 (MANE Select); coding-DNA position 899, C replaced by A.
Protein change: p.Ala300Glu; replaces alanine 300 with glutamic acid.
Molecular consequence: missense variant.
Genome position (GRCh38, 1-based): chr17:80,107,840, C>A. VCF-style: chr17-80107840-C-A. GRCh37 (hg19) VCF-style: chr17-78081639-C-A.
Other names: c.899C>A, p.Ala300Glu (NM_001079803.3, NM_001079804.3); short protein forms A300E.
Identifiers: ClinVar variation 1402249 (VCV001402249.9), dbSNP rs1032949450, ClinGen allele CA401363965.
Genomic context (GRCh38, chr17:80,107,840, plus strand): 5'-CCGTCTCCTGCATGTCCCAGCCCGGTGCGAACCTCTACGGGTCTCACCCTTTCTACCTGG[C>A]GCTGGAGGACGGCGGGTCGGCACACGGGGTGTTCCTGCTAAACAGCAATGCCATGGGTAA-3'
Protein context (NP_000143.2, residues 290-310): NLYGSHPFYL[Ala300Glu]LEDGGSAHGV